The following is an entry in ClinVar:

ClinVar aggregate classification (germline): Likely pathogenic. Review status: criteria provided, multiple submitters, no conflicts (2 of 4 stars). 2 submissions from 2 submitters: Likely pathogenic (2). Last evaluated 2023-04-15.

Conditions:
Dystonia 5 (DRD). Also called: DYT-GCH1; Dystonia, DOPA-responsive, with or without hyperphenylalaninemia; DYSTONIA, PROGRESSIVE, WITH DIURNAL VARIATION; DYSTONIA-PARKINSONISM WITH DIURNAL FLUCTUATION; GTP Cyclohydrolase 1-Deficient Dopa-Responsive Dystonia. Identifiers: Orphanet 98808, MedGen C1851920, MONDO:0007495, OMIM 128230.
GTP cyclohydrolase I deficiency. Identifiers: MedGen C0268467, MONDO:0100184.

Submissions (2):

Labcorp Genetics (formerly Invitae), Labcorp
Classification: Likely pathogenic for GTP cyclohydrolase I deficiency; Dystonia 5. Last evaluated: 2023-04-15. Review status: criteria provided, single submitter. Criteria: Invitae Variant Classification Sherloc (09022015). Collection method: clinical testing. Allele origin: germline.
Comment: This variant disrupts the p.Thr94 amino acid residue in GCH1. Other variant(s) that disrupt this residue have been determined to be pathogenic (PMID: 10457396, 15753436). This suggests that this residue is clinically significant, and that variants that disrupt this residue are likely to be disease-causing. In summary, the currently available evidence indicates that the variant is pathogenic, but additional data are needed to prove that conclusively. Therefore, this variant has been classified as Likely Pathogenic. Advanced modeling of protein sequence and biophysical properties (such as structural, functional, and spatial information, amino acid conservation, physicochemical variation, residue mobility, and thermodynamic stability) performed at Invitae indicates that this missense variant is expected to disrupt GCH1 protein function. This sequence change replaces threonine, which is neutral and polar, with methionine, which is neutral and non-polar, at codon 94 of the GCH1 protein (p.Thr94Met). This variant is not present in population databases (gnomAD no frequency). This missense change has been observed in individuals with clinical features of autosomal dominant primary dystonia (PMID: 23211702; Invitae). ClinVar contains an entry for this variant (Variation ID: 813311).

Institute of Human Genetics Munich, TUM University Hospital
Classification: Likely pathogenic for Dystonia 5. Last evaluated: 2020-01-23. Review status: criteria provided, single submitter. Criteria: Classification criteria August 2017. Collection method: clinical testing. Allele origin: germline. Inheritance: Autosomal dominant inheritance. Affected: yes. Observed: 1 heterozygote.

Literature cited by the submitters: PubMed 10457396 (cited by Labcorp Genetics (formerly Invitae), Labcorp); PubMed 15753436 (cited by Labcorp Genetics (formerly Invitae), Labcorp); PubMed 23211702 (cited by Labcorp Genetics (formerly Invitae), Labcorp).

NM_000161.3(GCH1):c.281C>T (p.Thr94Met)

Gene: GCH1 (GTP cyclohydrolase 1; minus strand). Cytogenetic location: 14q22.2.
Variant type: single nucleotide variant.
Coding change: c.281C>T on transcript NM_000161.3 (MANE Select); coding-DNA position 281, C replaced by T.
Protein change: p.Thr94Met; replaces threonine 94 with methionine.
Molecular consequence: missense variant.
Genome position (GRCh38, 1-based): chr14:54,902,383, G>A on the plus strand (C>T on the coding strand, the complement: GCH1 is on the minus strand). VCF-style: chr14-54902383-G-A. GRCh37 (hg19) VCF-style: chr14-55369101-G-A.
Other names: c.281C>T, p.Thr94Met (NM_001024024.2, NM_001024070.2, NM_001024071.2); short protein forms T94M.
Identifiers: ClinVar variation 813311 (VCV000813311.6), dbSNP rs1566687244, ClinGen allele CA389793683.